The following is an entry in ClinVar:

NM_004586.3(RPS6KA3):c.1920C>T (p.Leu640=)

Gene: RPS6KA3 (ribosomal protein S6 kinase A3; minus strand). Cytogenetic location: Xp22.12.
Variant type: single nucleotide variant.
Coding change: c.1920C>T on transcript NM_004586.3 (MANE Select); coding-DNA position 1920, C replaced by T.
Protein change: p.Leu640=; no amino-acid change (leucine 640 retained).
Molecular consequence: synonymous variant.
Genome position (GRCh38, 1-based): chrX:20,161,683, G>A on the plus strand (C>T on the coding strand, the complement: RPS6KA3 is on the minus strand). VCF-style: chrX-20161683-G-A. GRCh37 (hg19) VCF-style: chrX-20179801-G-A.
Other names: c.1920C>T (NM_004586.2).
Identifiers: ClinVar variation 2075075 (VCV002075075.5), dbSNP rs760416219, ClinGen allele CA10366049.

ClinVar aggregate classification (germline): Likely benign. Review status: criteria provided, single submitter (1 of 4 stars). 2 submissions from 2 submitters: Likely benign (1). 1 of the submissions does not count toward it. Last evaluated 2025-06-14.

Conditions:
Coffin-Lowry syndrome (CLS). Also called: COFFIN-LOWRY SYNDROME, MILD; Mental retardation with osteocartilaginous abnormalities. Identifiers: Orphanet 192, MedGen C0265252, MONDO:0010561, OMIM 303600.
Intellectual developmental disorder, X-linked 19. Also called: Intellectual disability, X-linked 19. Identifiers: Orphanet 777, MedGen C0796225, MONDO:0010447, OMIM 300844.
RPS6KA3-related disorder. Also called: RPS6KA3-related condition.

Allele frequency attached by ClinVar (database versions not stated): gnomAD exomes below 0.00001; TOPMed 0.00001; ExAC 0.00002.
gnomAD v4.1: 5 of 1,170,642 alleles (0.00043%); highest among the groups gnomAD compares: Admixed American, 0.011%; no homozygotes.

Submissions (2):

Labcorp Genetics (formerly Invitae), Labcorp
Classification: Likely benign for Coffin-Lowry syndrome; Intellectual developmental disorder, X-linked 19. Last evaluated: 2025-06-14. Review status: criteria provided, single submitter. Criteria: Invitae Variant Classification Sherloc (09022015). Collection method: clinical testing. Allele origin: germline.

PreventionGenetics, part of Exact Sciences
Classification: Likely benign for RPS6KA3-related condition. Last evaluated: 2021-09-22. Review status: no assertion criteria provided. Collection method: clinical testing. Allele origin: germline. Not counted in ClinVar's aggregate classification.
Comment: This variant is classified as likely benign based on ACMG/AMP sequence variant interpretation guidelines (Richards et al. 2015 PMID: 25741868, with internal and published modifications).